The following is an entry in ClinVar:

NM_001267550.2(TTN):c.98660C>A (p.Pro32887Gln)

Genes: TTN (titin; minus strand), TTN-AS1 (TTN antisense RNA 1; plus strand). Cytogenetic location: 2q31.2.
Variant type: single nucleotide variant.
Coding change: c.98660C>A on transcript NM_001267550.2 (MANE Select); coding-DNA position 98660, C replaced by A.
Protein change: p.Pro32887Gln; replaces proline 32887 with glutamine.
Molecular consequence: missense variant. On other transcripts: non-coding transcript variant (1).
Genome position (GRCh38, 1-based): chr2:178,539,405, G>T on the plus strand (C>A on the coding strand, the complement: TTN is on the minus strand). VCF-style: chr2-178539405-G-T. GRCh37 (hg19) VCF-style: chr2-179404132-G-T.
Other names: c.71465C>A, p.Pro23822Gln (NM_003319.4); c.90956C>A, p.Pro30319Gln (NM_133378.4); c.71840C>A, p.Pro23947Gln (NM_133432.3); c.72041C>A, p.Pro24014Gln (NM_133437.4); c.93737C>A, p.Pro31246Gln (NM_001256850.1); short protein forms P23822Q, P23947Q, P24014Q, P30319Q, P31246Q, P32887Q.
Identifiers: ClinVar variation 2664034 (VCV002664034.5), dbSNP rs774623766, ClinGen allele CA1986343.

ClinVar aggregate classification (germline): Uncertain significance. Review status: criteria provided, single submitter (1 of 4 stars). 2 submissions from 2 submitters: Uncertain significance (1). 1 of the submissions does not count toward it. Last evaluated 2026-03-01.

Conditions:
Dilated cardiomyopathy 1G (CMD1G). Identifiers: Orphanet 154, MedGen C1858763, MONDO:0011400, OMIM 604145.

Allele frequency attached by ClinVar (database versions not stated): TOPMed below 0.00001; ExAC 0.00001.
gnomAD v4.1: 1 of 1,612,580 alleles (0.000062%); highest among the groups gnomAD compares: Non-Finnish European, 0.000085%; no homozygotes.

Submissions (2):

CeGaT Center for Human Genetics Tuebingen
Classification: Uncertain significance. Last evaluated: 2026-03-01. Review status: criteria provided, single submitter. Criteria: CeGaT Center For Human Genetics Tuebingen Variant Classification Criteria Version 2. Collection method: clinical testing. Allele origin: germline. Affected: yes. Observed: 1 variant allele.
Comment: TTN: PM2

Zotz-Klimas Genetics Lab, MVZ Zotz Klimas
Classification: Uncertain significance for Dilated cardiomyopathy 1G. Last evaluated: 2023-11-24. Review status: no assertion criteria provided. Collection method: clinical testing. Allele origin: germline. Affected: yes. Not counted in ClinVar's aggregate classification.